The following is an entry in ClinVar:

NM_000238.4(KCNH2):c.1468G>C (p.Ala490Pro)

Gene: KCNH2 (potassium voltage-gated channel subfamily H member 2; minus strand). Cytogenetic location: 7q36.1.
Variant type: single nucleotide variant.
Coding change: c.1468G>C on transcript NM_000238.4 (MANE Select); coding-DNA position 1468, G replaced by C.
Protein change: p.Ala490Pro; replaces alanine 490 with proline.
Molecular consequence: missense variant.
Genome position (GRCh38, 1-based): chr7:150,952,514, C>G on the plus strand (G>C on the coding strand, the complement: KCNH2 is on the minus strand). VCF-style: chr7-150952514-C-G. GRCh37 (hg19) VCF-style: chr7-150649602-C-G.
Other names: c.1468G>C (LRG_288t1); c.448G>C, p.Ala150Pro (NM_001204798.2, NM_172057.3); c.1180G>C, p.Ala394Pro (NM_001406753.1, NM_001406756.1); c.1291G>C, p.Ala431Pro (NM_001406755.1); c.1168G>C, p.Ala390Pro (NM_001406757.1); c.1468G>C, p.Ala490Pro (NM_172056.3); short protein forms A150P, A490P, A390P, A431P, A394P.
Identifiers: ClinVar variation 67202 (VCV000067202.3), dbSNP rs28928905, ClinGen allele CA004657.

ClinVar aggregate classification (germline): not provided (0 of 4 stars; one submission).

Conditions:
Familial long QT syndrome (RWS). Also called: Congenital long QT syndrome; Romano-Ward syndrome; VENTRICULAR FIBRILLATION WITH PROLONGED QT INTERVAL. Identifiers: Orphanet 768, MedGen C1141890, MONDO:0019171.

Submission:

Cardiovascular Biomedical Research Unit, Royal Brompton & Harefield NHS Foundation Trust
No classification provided. Condition: Familial long QT syndrome. Review status: no classification provided. Collection method: literature only. Allele origin: germline.
Comment: This variant has been reported as associated with Long QT syndrome in the following publications (PMID:17560885). This is a literature report, and does not necessarily reflect the clinical interpretation of the Imperial College / Royal Brompton Cardiovascular Genetics laboratory.

Literature cited by the submitters: PubMed 17560885; PubMed 22581653.